The following is an entry in ClinVar:

ClinVar aggregate classification (germline): Uncertain significance (1 of 4 stars; one submission).

Conditions:
Wilson-Turner syndrome (WTS). Also called: MENTAL RETARDATION, X-LINKED, SYNDROMIC 6; INTELLECTUAL DEVELOPMENTAL DISORDER, X-LINKED, SYNDROMIC, WILSON-TURNER TYPE. Identifiers: Orphanet 3459, MedGen C1839736, MONDO:0010665, OMIM 309585.

Allele frequency attached by ClinVar (database versions not stated): TOPMed 0.00001.

Submission:

Labcorp Genetics (formerly Invitae), Labcorp
Classification: Uncertain significance for Wilson-Turner syndrome. Last evaluated: 2022-12-29. Review status: criteria provided, single submitter. Criteria: Invitae Variant Classification Sherloc (09022015). Collection method: clinical testing. Allele origin: germline.
Comment: In summary, the available evidence is currently insufficient to determine the role of this variant in disease. Therefore, it has been classified as a Variant of Uncertain Significance. Algorithms developed to predict the effect of missense changes on protein structure and function output the following: SIFT: "Tolerated"; PolyPhen-2: "Benign"; Align-GVGD: "Class C0". The arginine amino acid residue is found in multiple mammalian species, which suggests that this missense change does not adversely affect protein function. This variant has not been reported in the literature in individuals affected with LAS1L-related conditions. This variant is not present in population databases (gnomAD no frequency). This sequence change replaces glycine, which is neutral and non-polar, with arginine, which is basic and polar, at codon 726 of the LAS1L protein (p.Gly726Arg).

NM_031206.7(LAS1L):c.2176G>A (p.Gly726Arg)

Gene: LAS1L (LAS1 like ribosome biogenesis factor; minus strand). Cytogenetic location: Xq12.
Variant type: single nucleotide variant.
Coding change: c.2176G>A on transcript NM_031206.7 (MANE Select); coding-DNA position 2176, G replaced by A.
Protein change: p.Gly726Arg; replaces glycine 726 with arginine.
Molecular consequence: missense variant. On other transcripts: non-coding transcript variant (1).
Genome position (GRCh38, 1-based): chrX:65,512,804, C>T on the plus strand (G>A on the coding strand, the complement: LAS1L is on the minus strand). VCF-style: chrX-65512804-C-T. GRCh37 (hg19) VCF-style: chrX-64732684-C-T.
Other names: c.2125G>A, p.Gly709Arg (NM_001170649.2); c.1999G>A, p.Gly667Arg (NM_001170650.2); c.2173G>A, p.Gly725Arg (NM_001375328.1); c.1219G>A, p.Gly407Arg (NM_001375332.1); c.2122G>A, p.Gly708Arg (NM_001375333.1); short protein forms G407R, G725R, G667R, G708R, G709R, G726R.
Identifiers: ClinVar variation 2886007 (VCV002886007.3), dbSNP rs1218391209, ClinGen allele CA413314113.